The following is an entry in ClinVar:

ClinVar aggregate classification (germline): Likely pathogenic. Review status: criteria provided, multiple submitters, no conflicts (2 of 4 stars). 2 submissions from 2 submitters: Likely pathogenic (2). Last evaluated 2026-01-13.

Conditions:
MYO3A-related disorder. Also called: MYO3A-related condition.
Autosomal recessive nonsyndromic hearing loss 30. Identifiers: Orphanet 90636, MedGen C1846784, MONDO:0011774, OMIM 607101.

Allele frequency attached by ClinVar (database versions not stated): TOPMed below 0.00001; gnomAD 0.00001; gnomAD exomes 0.00002; ExAC 0.00003.

Submissions (2):

PreventionGenetics, part of Exact Sciences
Classification: Likely pathogenic for MYO3A-related condition. Last evaluated: 2026-01-13. Review status: criteria provided, single submitter. Criteria: ACMG Guidelines, 2015. Collection method: clinical testing. Allele origin: germline.
Comment: The MYO3A c.3003delC variant is predicted to result in a frameshift and premature protein termination (p.Tyr1002Thrfs*13). To our knowledge, this variant has not been reported in the literature. This variant is reported in 0.0046% of alleles in individuals of European (Non-Finnish) descent in gnomAD. Frameshift variants in MYO3A are expected to be pathogenic. This variant is interpreted as likely pathogenic.

Revvity Omics, Revvity
Classification: Likely pathogenic for Autosomal recessive nonsyndromic hearing loss 30. Last evaluated: 2021-08-30. Review status: criteria provided, single submitter. Criteria: ACMG Guidelines, 2015. Collection method: clinical testing. Allele origin: germline.

NM_017433.5(MYO3A):c.3003del (p.Tyr1002fs)

Gene: MYO3A (myosin IIIA; plus strand). Cytogenetic location: 10p12.1.
Variant type: Deletion.
Coding change: c.3003del on transcript NM_017433.5 (MANE Select); coding-DNA position 3003, one base deleted (C; older notation c.3003delC).
Protein change: p.Tyr1002fs; shifts the reading frame from tyrosine 1002.
Molecular consequence: frameshift variant.
Genome position (GRCh38, 1-based): chr10:26,166,070, C deleted. VCF-style (leftmost placement, unchanged base first): chr10-26166069-AC-A. GRCh37 (hg19) VCF-style: chr10-26454998-AC-A.
Other names: c.3003delC (NM_017433.4); short protein forms Y1002fs.
Identifiers: ClinVar variation 1324766 (VCV001324766.5), dbSNP rs746055369, ClinGen allele CA5445132.